The following is an entry in ClinVar:

NM_000090.4(COL3A1):c.1924-4C>T

Gene: COL3A1 (collagen type III alpha 1 chain; plus strand). Cytogenetic location: 2q32.2.
Variant type: single nucleotide variant.
Coding change: c.1924-4C>T on transcript NM_000090.4 (MANE Select); 4 bases into the intron before coding-DNA position 1924, C replaced by T.
Molecular consequence: intron variant.
Genome position (GRCh38, 1-based): chr2:188,998,262, C>T. VCF-style: chr2-188998262-C-T. GRCh37 (hg19) VCF-style: chr2-189862988-C-T.
Other names: p.?.
Identifiers: ClinVar variation 412896 (VCV000412896.20), dbSNP rs755814664, ClinGen allele CA074839.

ClinVar aggregate classification (germline): Likely benign. Review status: criteria provided, multiple submitters, no conflicts (2 of 4 stars). 6 submissions from 6 submitters: Likely benign (6). Last evaluated 2026-06-08.

Conditions:
Familial thoracic aortic aneurysm and aortic dissection (TAAD). Also called: Thoracic aortic aneurysms and dissections. Identifiers: Orphanet 91387, MedGen C4707243, MONDO:0019625.
Ehlers-Danlos syndrome, type 4 (EDSVASC). Also called: Ehlers-Danlos Syndrome Type IV; Ehlers-Danlos syndrome vascular type; Ehlers Danlos syndrome, ecchymotic type; Ehlers Danlos syndrome, arterial type; Ehlers Danlos syndrome, Sack-Barabas type. Identifiers: Orphanet 286, MedGen C0268338, MONDO:0017314, OMIM 130050.

Allele frequency attached by ClinVar (database versions not stated): TOPMed below 0.00001; ExAC 0.00001; gnomAD exomes 0.00001 and 0.00002.
gnomAD v4.1: 23 of 1,613,186 alleles (0.0014%); highest among the groups gnomAD compares: Non-Finnish European, 0.0019%; no homozygotes.

Submissions (6):

Women's Health and Genetics/Laboratory Corporation of America, LabCorp
Classification: Likely benign. Last evaluated: 2026-06-08. Review status: criteria provided, single submitter. Criteria: LabCorp Variant Classification Summary - May 2015. Collection method: clinical testing. Allele origin: germline.

Mayo Clinic Laboratories, Mayo Clinic
Classification: Likely benign. Last evaluated: 2025-10-21. Review status: criteria provided, single submitter. Criteria: ACMG Guidelines, 2015. Collection method: clinical testing. Allele origin: germline. Observed: 1 variant allele.
Comment: BP4, BP7, PM2_supporting

Labcorp Genetics (formerly Invitae), Labcorp
Classification: Likely benign for Ehlers-Danlos syndrome, type 4. Last evaluated: 2025-03-19. Review status: criteria provided, single submitter. Criteria: Invitae Variant Classification Sherloc (09022015). Collection method: clinical testing. Allele origin: germline.

All of Us Research Program, National Institutes of Health
Classification: Likely benign for Ehlers-Danlos syndrome, type 4. Last evaluated: 2023-12-13. Review status: criteria provided, single submitter. Criteria: ACMG Guidelines, 2015. Collection method: clinical testing. Allele origin: germline. Inheritance: Autosomal dominant inheritance. Observed: 2 variant alleles, 2 heterozygotes.
Comment: This study involves interpretation of variants in research participants for the purpose of population health screening. Participant phenotype was not available at the time of variant classification. Additional details can be found in publication PMID: 35346344, PMCID: PMC8962531

Blueprint Genetics
Classification: Likely benign. Last evaluated: 2022-05-24. Review status: criteria provided, single submitter. Criteria: ACMG Guidelines, 2015. Collection method: clinical testing. Allele origin: germline.

Color Diagnostics, LLC DBA Color Health
Classification: Likely benign for Familial thoracic aortic aneurysm and aortic dissection. Last evaluated: 2018-06-11. Review status: criteria provided, single submitter. Criteria: ACMG Guidelines, 2015. Collection method: clinical testing. Allele origin: germline.